The following is an entry in ClinVar:

NM_000138.5(FBN1):c.2964_2965delinsTT (p.Trp988_Gly989delinsCysCys)

Gene: FBN1 (fibrillin 1; minus strand). Cytogenetic location: 15q21.1.
Variant type: Indel.
Coding change: c.2964_2965delinsTT on transcript NM_000138.5 (MANE Select); coding-DNA positions 2964 to 2965, GG replaced by TT.
Protein change: p.Trp988_Gly989delinsCysCys.
Molecular consequence: missense variant.
Genome position (GRCh38, 1-based): chr15:48,489,968-48,489,969, CC replaced by AA on the plus strand (GG replaced by TT on the coding strand, the reverse complement: FBN1 is on the minus strand). VCF-style: chr15-48489968-CC-AA. GRCh37 (hg19) VCF-style: chr15-48782165-CC-AA.
Identifiers: ClinVar variation 1430014 (VCV001430014.6), dbSNP rs2141297274, ClinGen allele CA2573150769.

ClinVar aggregate classification (germline): Uncertain significance (1 of 4 stars; one submission).

Conditions:
Marfan syndrome (MFS). Also called: MARFAN SYNDROME, TYPE I; Marfan syndrome type 1; Marfan's syndrome; Marfan syndrome, classic; FBN1-Related Marfan Syndrome. Identifiers: Orphanet 284963, Orphanet 558, MedGen C0024796, MONDO:0007947, OMIM 154700.
Familial thoracic aortic aneurysm and aortic dissection (TAAD). Also called: Thoracic aortic aneurysms and dissections. Identifiers: Orphanet 91387, MedGen C4707243, MONDO:0019625.

Submission:

Labcorp Genetics (formerly Invitae), Labcorp
Classification: Uncertain significance for Marfan syndrome; Familial thoracic aortic aneurysm and aortic dissection. Last evaluated: 2021-10-04. Review status: criteria provided, single submitter. Criteria: Invitae Variant Classification Sherloc (09022015). Collection method: clinical testing. Allele origin: germline.
Comment: In summary, the available evidence is currently insufficient to determine the role of this variant in disease. Therefore, it has been classified as a Variant of Uncertain Significance. Experimental studies and prediction algorithms are not available or were not evaluated, and the functional significance of this variant is currently unknown. This variant has not been reported in the literature in individuals affected with FBN1-related conditions. The frequency data for this variant in the population databases is not available, as this variant may be reported as separate entries in the ExAC database. This variant, c.2964_2965delinsTT, is a complex sequence change that results in the deletion of 2 and insertion of 2 amino acid(s) in the FBN1 protein (p.Trp988_Gly989delinsCysCys).